The following is an entry in ClinVar:

ClinVar aggregate classification (germline): Uncertain significance (1 of 4 stars; one submission).

Conditions:
Malignant hyperthermia, susceptibility to, 5 (MHS5). Also called: CACNA1S-Related Malignant Hyperthermia Susceptibility. Identifiers: Orphanet 423, MedGen C1866077, MONDO:0011163, OMIM 601887.
Hypokalemic periodic paralysis, type 1. Also called: Hypokalemic Periodic Paralysis Type 1 (AD); HypoPP. Identifiers: Orphanet 681, MedGen C3714580, MONDO:0042979, OMIM 170400.

Allele frequency attached by ClinVar (database versions not stated): ExAC 0.00001; gnomAD exomes 0.00001.
gnomAD v4.1: 13 of 1,614,192 alleles (0.00081%); highest among the groups gnomAD compares: Non-Finnish European, 0.0011%; no homozygotes.

Submission:

Labcorp Genetics (formerly Invitae), Labcorp
Classification: Uncertain significance for Hypokalemic periodic paralysis, type 1; Malignant hyperthermia, susceptibility to, 5. Last evaluated: 2023-10-05. Review status: criteria provided, single submitter. Criteria: Invitae Variant Classification Sherloc (09022015). Collection method: clinical testing. Allele origin: germline.
Comment: This sequence change replaces tyrosine, which is neutral and polar, with cysteine, which is neutral and slightly polar, at codon 1365 of the CACNA1S protein (p.Tyr1365Cys). This variant is present in population databases (rs747804520, gnomAD 0.0009%). This variant has not been reported in the literature in individuals affected with CACNA1S-related conditions. Advanced modeling of protein sequence and biophysical properties (such as structural, functional, and spatial information, amino acid conservation, physicochemical variation, residue mobility, and thermodynamic stability) performed at Invitae indicates that this missense variant is not expected to disrupt CACNA1S protein function. In summary, the available evidence is currently insufficient to determine the role of this variant in disease. Therefore, it has been classified as a Variant of Uncertain Significance.

NM_000069.3(CACNA1S):c.4094A>G (p.Tyr1365Cys)

Gene: CACNA1S (calcium voltage-gated channel subunit alpha1 S; minus strand). Cytogenetic location: 1q32.1.
Variant type: single nucleotide variant.
Coding change: c.4094A>G on transcript NM_000069.3 (MANE Select); coding-DNA position 4094, A replaced by G.
Protein change: p.Tyr1365Cys; replaces tyrosine 1365 with cysteine.
Molecular consequence: missense variant.
Genome position (GRCh38, 1-based): chr1:201,051,003, T>C on the plus strand (A>G on the coding strand, the complement: CACNA1S is on the minus strand). VCF-style: chr1-201051003-T-C. GRCh37 (hg19) VCF-style: chr1-201020131-T-C.
Other names: short protein forms Y1365C.
Identifiers: ClinVar variation 2923645 (VCV002923645.3), dbSNP rs747804520, ClinGen allele CA083069.
Genomic context (GRCh38, chr1:201,051,003, plus strand): 5'-TCAAAGCCCTCTCCCTGCCCCGCAGGCCCTCAGCATCTCACCAGGAAGGCACAGAGCATG[T>C]AGAAGCTGATGAAGTAGTAGTATGCAAAGTTGGTGCCACATGTGTACTCCTCCCCTGGGG-3'
Protein context (NP_000060.2, residues 1355-1375): NFAYYYFISF[Tyr1365Cys]MLCAFLVINL